The following is an entry in ClinVar:

ClinVar aggregate classification (germline): Likely pathogenic. Review status: criteria provided, single submitter (1 of 4 stars). 2 submissions from 2 submitters: Likely pathogenic (1). 1 of the submissions does not count toward it. Last evaluated 2021-01-09.

Conditions:
Gaze palsy, familial horizontal, with progressive scoliosis 1 (HGPPS1). Identifiers: Orphanet 2744, MedGen C4551964, MONDO:0020790, OMIM 607313.

Submissions (2):

Institute of Human Genetics, University of Leipzig Medical Center
Classification: Likely pathogenic for Gaze palsy, familial horizontal, with progressive scoliosis 1. Last evaluated: 2021-01-09. Review status: criteria provided, single submitter. Criteria: ACMG Guidelines, 2015. Collection method: curation. Allele origin: germline. Inheritance: Autosomal recessive inheritance. Affected: yes.
Comment: This ROBO3 variant was reported as Pathogenicâ€‹ in PMID: 15105459 with original nomenclature reported as 2113T>C, S705P. Variant was re-classified as Likely Pathogenic based on the criteria PM1_Moderate, PM2_Supporting, PM3_Moderate, PP4_Supporting, BP4_Supporting.

OMIM
Classification: Pathogenic for GAZE PALSY, FAMILIAL HORIZONTAL, WITH PROGRESSIVE SCOLIOSIS 1. Last evaluated: 2004-06-04. Review status: no assertion criteria provided. Collection method: literature only. Allele origin: germline. Not counted in ClinVar's aggregate classification.

Literature cited by the submitters: PubMed 15105459 (cited by Institute of Human Genetics, University of Leipzig Medical Center and OMIM).

NM_022370.4(ROBO3):c.2113T>C (p.Ser705Pro)

Gene: ROBO3 (roundabout guidance receptor 3; plus strand). Cytogenetic location: 11q24.2.
Variant type: single nucleotide variant.
Coding change: c.2113T>C on transcript NM_022370.4 (MANE Select); coding-DNA position 2113, T replaced by C.
Protein change: p.Ser705Pro; replaces serine 705 with proline.
Molecular consequence: missense variant.
Genome position (GRCh38, 1-based): chr11:124,875,150, T>C. VCF-style: chr11-124875150-T-C. GRCh37 (hg19) VCF-style: chr11-124745046-T-C.
Other names: short protein forms S705P.
Identifiers: ClinVar variation 2175 (VCV000002175.3), dbSNP rs121918272, ClinGen allele CA115385.